The following is an entry in ClinVar:

ClinVar aggregate classification (germline): Uncertain significance (1 of 4 stars; one submission).

Allele frequency attached by ClinVar (database versions not stated): ExAC 0.00001; gnomAD exomes 0.00001; gnomAD 0.00002; TOPMed 0.00002.
gnomAD v4.1: 21 of 1,571,852 alleles (0.0013%); highest among the groups gnomAD compares: Admixed American, 0.0018%; no homozygotes.

Submission:

Labcorp Genetics (formerly Invitae), Labcorp
Classification: Uncertain significance. Last evaluated: 2023-03-21. Review status: criteria provided, single submitter. Criteria: Invitae Variant Classification Sherloc (09022015). Collection method: clinical testing. Allele origin: germline.
Comment: In summary, the available evidence is currently insufficient to determine the role of this variant in disease. Therefore, it has been classified as a Variant of Uncertain Significance. Variants that disrupt the consensus splice site are a relatively common cause of aberrant splicing (PMID: 17576681, 9536098). Algorithms developed to predict the effect of sequence changes on RNA splicing suggest that this variant may disrupt the consensus splice site. This sequence change falls in intron 15 of the CYFIP2 gene. It does not directly change the encoded amino acid sequence of the CYFIP2 protein. It affects a nucleotide within the consensus splice site. This variant is present in population databases (rs540004237, gnomAD 0.004%). This variant has not been reported in the literature in individuals affected with CYFIP2-related conditions.

Literature cited by the submitters: PubMed 17576681; PubMed 9536098.

NM_001037333.3(CYFIP2):c.1671+3A>G

Gene: CYFIP2 (cytoplasmic FMR1 interacting protein 2; plus strand). Cytogenetic location: 5q33.3.
Variant type: single nucleotide variant.
Coding change: c.1671+3A>G on transcript NM_001037333.3 (MANE Select); 3 bases into the intron after coding-DNA position 1671, A replaced by G.
Molecular consequence: intron variant.
Genome position (GRCh38, 1-based): chr5:157,320,805, A>G. VCF-style: chr5-157320805-A-G. GRCh37 (hg19) VCF-style: chr5-156747813-A-G.
Other names: c.1671+3A>G (NM_001291722.2, NM_014376.4); c.1593+3A>G (NM_001291721.2).
Identifiers: ClinVar variation 2958793 (VCV002958793.3), dbSNP rs540004237, ClinGen allele CA3533653.
Genomic context (GRCh38, chr5:157,320,805, plus strand): 5'-CAAAGGTGGATTTGATATCAAGGTGCCCCGGCGTGCTGTGGGGCCATCCAGCACACAGGT[A>G]AGCGGCTCCAGGCACAGGCCAGCTGCGTTGACTCAGAGGCCAGCCGGGCTATGGTAGATC-3'